The following is an entry in ClinVar:

ClinVar aggregate classification (germline): Benign (1 of 4 stars; one submission).

Conditions:
Oligodontia-cancer predisposition syndrome. Also called: TOOTH AGENESIS-COLORECTAL CANCER SYNDROME. Identifiers: Orphanet 300576, MedGen C1837750, MONDO:0012075, OMIM 608615. Disease mechanism: loss of function.

Submission:

Myriad Genetics, Inc.
Classification: Benign for Oligodontia-cancer predisposition syndrome. Last evaluated: 2024-06-25. Review status: criteria provided, single submitter. Criteria: Myriad Autosomal Dominant, Autosomal Recessive and X-Linked Classification Criteria (2023). Collection method: clinical testing. Allele origin: unknown.
Comment: This variant is considered benign. This variant is a silent/synonymous amino acid change and it is not expected to impact splicing.

NM_004655.4(AXIN2):c.159C>G (p.Ser53=)

Gene: AXIN2 (axin 2; minus strand). Cytogenetic location: 17q24.1.
Variant type: single nucleotide variant.
Coding change: c.159C>G on transcript NM_004655.4 (MANE Select); coding-DNA position 159, C replaced by G.
Protein change: p.Ser53=; no amino-acid change (serine 53 retained).
Molecular consequence: synonymous variant.
Genome position (GRCh38, 1-based): chr17:65,558,462, G>C on the plus strand (C>G on the coding strand, the complement: AXIN2 is on the minus strand). VCF-style: chr17-65558462-G-C. GRCh37 (hg19) VCF-style: chr17-63554580-G-C.
Other names: c.159C>G, p.Ser53= (NM_001363813.1).
Identifiers: ClinVar variation 3254289 (VCV003254289.1), dbSNP rs774320588.